The following is an entry in ClinVar:

ClinVar aggregate classification (germline): Uncertain significance (1 of 4 stars; one submission).

Allele frequency attached by ClinVar (database versions not stated): gnomAD exomes below 0.00001; gnomAD 0.00001; 1000 Genomes Project 0.00020; 1000 Genomes Project 30x 0.00031.
gnomAD v4.1: 3 of 1,346,556 alleles (0.00022%); highest among the groups gnomAD compares: Admixed American, 0.011%; no homozygotes.

Submission:

Labcorp Genetics (formerly Invitae), Labcorp
Classification: Uncertain significance. Last evaluated: 2022-09-01. Review status: criteria provided, single submitter. Criteria: Invitae Variant Classification Sherloc (09022015). Collection method: clinical testing. Allele origin: germline.
Comment: This sequence change falls in intron 1 of the GTPBP3 gene. It does not directly change the encoded amino acid sequence of the GTPBP3 protein. It affects a nucleotide within the consensus splice site. This variant is not present in population databases (gnomAD no frequency). This variant has not been reported in the literature in individuals affected with GTPBP3-related conditions. ClinVar contains an entry for this variant (Variation ID: 1405402). Variants that disrupt the consensus splice site are a relatively common cause of aberrant splicing (PMID: 17576681, 9536098). Algorithms developed to predict the effect of sequence changes on RNA splicing suggest that this variant may disrupt the consensus splice site. In summary, the available evidence is currently insufficient to determine the role of this variant in disease. Therefore, it has been classified as a Variant of Uncertain Significance.

Literature cited by the submitters: PubMed 17576681; PubMed 9536098.

NM_032620.4(GTPBP3):c.53+5G>C

Gene: GTPBP3 (GTP binding protein 3, mitochondrial; plus strand). Cytogenetic location: 19p13.11.
Variant type: single nucleotide variant.
Coding change: c.53+5G>C on transcript NM_032620.4 (MANE Select); 5 bases into the intron after coding-DNA position 53, G replaced by C.
Molecular consequence: intron variant.
Genome position (GRCh38, 1-based): chr19:17,337,669, G>C. VCF-style: chr19-17337669-G-C. GRCh37 (hg19) VCF-style: chr19-17448478-G-C.
Other names: c.120-339G>C (NM_001195422.1); c.53+5G>C (NM_133644.4, NM_001128855.3).
Identifiers: ClinVar variation 1405402 (VCV001405402.3), dbSNP rs547999665, ClinGen allele CA306060720.